The following is an entry in ClinVar:

NM_001368809.2(AMPD2):c.855C>T (p.Asp285=)

Gene: AMPD2 (adenosine monophosphate deaminase 2; plus strand). Cytogenetic location: 1p13.3.
Variant type: single nucleotide variant.
Coding change: c.855C>T on transcript NM_001368809.2 (MANE Select); coding-DNA position 855, C replaced by T.
Protein change: p.Asp285=; no amino-acid change (aspartic acid 285 retained).
Molecular consequence: synonymous variant.
Genome position (GRCh38, 1-based): chr1:109,627,311, C>T. VCF-style: chr1-109627311-C-T. GRCh37 (hg19) VCF-style: chr1-110169933-C-T.
Other names: c.1017C>T (NM_001257360.1); c.663C>T, p.Asp221= (NM_001257361.2); c.792C>T, p.Asp264= (NM_001308170.1); c.855C>T, p.Asp285= (NM_004037.9); c.774C>T, p.Asp258= (NM_139156.4).
Identifiers: ClinVar variation 1600748 (VCV001600748.11), dbSNP rs114463063, ClinGen allele CA992931.

ClinVar aggregate classification (germline): Benign/Likely benign. Review status: criteria provided, multiple submitters, no conflicts (2 of 4 stars). 3 submissions from 3 submitters: Benign (1); Likely benign (1). 1 of the submissions does not count toward it. Last evaluated 2026-01-12.

Conditions:
Pontocerebellar hypoplasia type 9. Identifiers: Orphanet 369920, MedGen C4014354, MONDO:0014351, OMIM 615809.
Hereditary spastic paraplegia 63. Also called: Spastic paraplegia 63, autosomal recessive. Identifiers: Orphanet 401805, MedGen C3810295, MONDO:0014305, OMIM 615686.
AMPD2-related disorder. Also called: AMPD2-related condition.

Allele frequency attached by ClinVar (database versions not stated): ESP Exome Variant Server 0.00038; 1000 Genomes Project 30x 0.00078; 1000 Genomes Project 0.00080; ExAC 0.00087; gnomAD 0.00100 and 0.00101; gnomAD exomes 0.00100.

Submissions (3):

Labcorp Genetics (formerly Invitae), Labcorp
Classification: Benign for Pontocerebellar hypoplasia type 9; Hereditary spastic paraplegia 63. Last evaluated: 2026-01-12. Review status: criteria provided, single submitter. Criteria: Invitae Variant Classification Sherloc (09022015). Collection method: clinical testing. Allele origin: germline.

Blueprint Genetics
Classification: Likely benign. Last evaluated: 2024-11-06. Review status: criteria provided, single submitter. Criteria: ACMG Guidelines, 2015. Collection method: clinical testing. Allele origin: germline.

PreventionGenetics, part of Exact Sciences
Classification: Benign for AMPD2-related condition. Last evaluated: 2019-03-21. Review status: no assertion criteria provided. Collection method: clinical testing. Allele origin: germline. Not counted in ClinVar's aggregate classification.
Comment: This variant is classified as benign based on ACMG/AMP sequence variant interpretation guidelines (Richards et al. 2015 PMID: 25741868, with internal and published modifications).